The following is an entry in ClinVar:

ClinVar aggregate classification (germline): Conflicting classifications of pathogenicity. Review status: criteria provided, conflicting classifications (1 of 4 stars). 14 submissions from 13 submitters: Likely pathogenic (1); Uncertain significance (5); Benign (1); Likely benign (3). 4 of the submissions do not count toward it. Last evaluated 2026-09-01.

Conditions:
Inborn genetic diseases. Identifiers: MedGen C0950123, MeSH D030342.
Xeroderma pigmentosum (XP). Identifiers: Orphanet 910, MedGen C0043346, MONDO:0019600.
Trichothiodystrophy 1, photosensitive (TTD1). Also called: TRICHOTHIODYSTROPHY WITH CONGENITAL ICHTHYOSIS; PIBIDS SYNDROME; TAY SYNDROME. Identifiers: Orphanet 33364, MedGen C1866504, MONDO:0011125, OMIM 601675.
Xeroderma pigmentosum, group D (XPD). Also called: ERCC2-Related Xeroderma Pigmentosum; XERODERMA PIGMENTOSUM, COMPLEMENTATION GROUP D; XERODERMA PIGMENTOSUM IV; XP, GROUP D; XP, GROUP H. Identifiers: MedGen C0268138, MONDO:0010212, OMIM 278730.

Allele frequency attached by ClinVar (database versions not stated): TOPMed 0.00029; gnomAD exomes 0.00120 and 0.00089; gnomAD 0.00030 and 0.00050; 1000 Genomes Project 30x 0.00109; ExAC 0.00134; 1000 Genomes Project 0.00140.

Submissions (14):

CeGaT Center for Human Genetics Tuebingen
Classification: Likely benign. Last evaluated: 2026-09-01. Review status: criteria provided, single submitter. Criteria: CeGaT Center For Human Genetics Tuebingen Variant Classification Criteria Version 2. Collection method: clinical testing. Allele origin: germline. Affected: yes. Observed: 13 variant alleles.
Comment: ERCC2: PP3, BS3:Supporting, BS1

Labcorp Genetics (formerly Invitae), Labcorp
Classification: Benign. Last evaluated: 2026-01-26. Review status: criteria provided, single submitter. Criteria: Invitae Variant Classification Sherloc (09022015). Collection method: clinical testing. Allele origin: germline.

Women's Health and Genetics/Laboratory Corporation of America, LabCorp
Classification: Likely benign. Last evaluated: 2025-11-10. Review status: criteria provided, single submitter. Criteria: LabCorp Variant Classification Summary - May 2015. Collection method: clinical testing. Allele origin: germline.
Comment: Variant summary: ERCC2 c.1381C>G (p.Leu461Val) results in a conservative amino acid change in the encoded protein sequence. Algorithms developed to predict the effect of missense changes on protein structure and function are either unavailable or do not agree on the potential impact of this missense change. The variant allele was found at a frequency of 0.0012 in 251138 control chromosomes, predominantly at a frequency of 0.0071 within the South Asian subpopulation in the gnomAD database, including 2 homozygotes. The observed variant frequency within South Asian control individuals in the gnomAD database exceeds the estimated maximal expected allele frequency for disease-causing variants in ERCC2. c.1381C>G has been reported in the literature always a complex allele in cis with c.2150C>G (p.Ala717Gly) in compound heterozygous genotypes with other pathogenic alleles in multiple individuals with features of Xeroderma Pigmentosum and Trichothiodystrophy (example, Takayama_1996, Moslehi_2012, Fujimoto_2005, Zhou_2013, Fassihi_2016, Horibata_2015). This complex allele has also been reported in individuals with various cancers, although these findings have not been ascertained in the context of this evaluation. These report(s) do not provide unequivocal conclusions about association of the variant in isolation with Xeroderma Pigmentosum/Trichothiodystrophy. At least one publication reports experimental evidence evaluating an impact on protein function (Horibata_2015). These results showed no damaging effect of this variant in isolation, as it possessed full Nucleotide Excision Repair (NER) activity (comparable to p.WT). The following publications have been ascertained in the context of this evaluation (PMID: 26884178, 9238033, 8571952, 23232694, 22234153, 15982307, 25716912, 7585650). ClinVar contains an entry for this variant (Variation ID: 16779). Based on the evidence outlined above, the variant was classified as likely benign.

Blueprint Genetics
Classification: Uncertain significance. Last evaluated: 2024-10-18. Review status: criteria provided, single submitter. Criteria: ACMG Guidelines, 2015. Collection method: clinical testing. Allele origin: germline.

GeneDx
Classification: Uncertain significance. Last evaluated: 2023-06-04. Review status: criteria provided, single submitter. Criteria: GeneDx Variant Classification Process June 2021. Collection method: clinical testing. Allele origin: germline. Affected: yes.
Comment: Published functional studies of the A717G;L461V complex allele demonstrated a reduced TFIIH binding capacity with partial NER activity compared to wild-type, but no functional data for Leu461Val on its own exist (Horibata et al., 2015); In silico analysis supports that this missense variant does not alter protein structure/function; In silico analysis supports a deleterious effect on splicing; This variant is associated with the following publications: (PMID: 15982307, 18470933, 23221806, 10064601, 24728327, 22234153, 8571952, 12116233, 10447254, 23232694, 19681155, 9238033, 26884178, 7849702, 7585650, 9195225, 12393803, 16135823, 12820975, 27504877, 29607586, 30136158, 34426522, 31980526, 26556299, 25716912, 31589614, 33726816, 36253817, 37179334)

Genetics and Molecular Pathology, SA Pathology
Classification: Likely pathogenic for Xeroderma pigmentosum, group D. Last evaluated: 2022-04-14. Review status: criteria provided, single submitter. Criteria: ACMG Guidelines, 2015. Collection method: clinical testing. Allele origin: germline. Affected: yes.

Ambry Genetics
Classification: Likely benign for Inborn genetic diseases. Last evaluated: 2022-03-15. Review status: criteria provided, single submitter. Criteria: Ambry Variant Classification Scheme 2023. Collection method: clinical testing. Allele origin: germline.

Sema4
Classification: Uncertain significance for Xeroderma pigmentosum. Last evaluated: 2021-10-11. Review status: criteria provided, single submitter. Criteria: Sema4 Curation Guidelines. Collection method: curation. Allele origin: germline.
Comment: The ERCC2 c.1381C>G (p.L461V) variant has been reported as compound heterozygous in individuals with xeroderma pigmentosum or trichothiodystrophy (PMID: 7849702, 8571952, 15982307, 22234153, 23221806). However, in each of these cases the p.L461V variant was observed in cis with the c.2150C>G variant that may result in p.V716_R730del (also known as 716-730del). It was suggested that L461V and p.V716_R730del variants together result in a non-functional protein (PMID: 9238033). A functional analysis of the c.1381C>G (p.L461V) variant demonstrated that it is expressed by the cell line and interacts normally with RNA polymerase II transcription factor, TFIIH (PMID: 7849702). This variant has also been observed as heterozygous in breast and/or cancer cases (PMID: 27504877, 30136158) as well as healthy populations (PMID: 24728327, 30136158, 31980526). This variant was observed in 218/30610 chromosomes in the South Asian population, with two homozygotes, according to the Genome Aggregation Database (PMID: 32461654). This variant has been reported in ClinVar (Variation ID: 16779). In silico tools suggest the impact of the variant on protein function is deleterious. The evidence is insufficient to meet ACMG/AMP criteria for classifying the variant as benign or pathogenic. Thus, the clinical significance of this variant is currently uncertain.

Mendelics
Classification: Uncertain significance for Xeroderma pigmentosum, group D. Last evaluated: 2019-05-28. Review status: criteria provided, single submitter. Criteria: Mendelics Assertion Criteria 2017. Collection method: clinical testing. Allele origin: unknown.

Centre for Mendelian Genomics, University Medical Centre Ljubljana
Classification: Uncertain significance for Xeroderma pigmentosum, group D. Last evaluated: 2019-05-13. Review status: criteria provided, single submitter. Criteria: ACMG Guidelines, 2015. Collection method: clinical testing. Allele origin: unknown. Affected: yes.
Comment: This variant was classified as: Uncertain significance. The available evidence on this variant's pathogenicity is insufficient or conflicting. The following ACMG criteria were applied in classifying this variant: PP2,PP3,PP5.

Reproductive Health Research and Development, BGI Genomics
Classification: Uncertain significance for Xeroderma pigmentosum, group D. Last evaluated: 2020-01-06. Review status: no assertion criteria provided. Collection method: curation. Allele origin: germline. Not counted in ClinVar's aggregate classification.
Comment: NM_000400.3:c.1381C>G in the ERCC2 gene has an allele frequency of 0.007 in South Asian subpopulation in the gnomAD database. The functional study (GM436 cells) demenstrated Leu461Val exits in apparent absence of expression of the other XPD allele. Hence, the Leu461Val allele can be assumed not to interfere with the essential function of the XPD (ERCC2) gene product (PMID: 7849702). Takayama et al reported a patient with typical trichothiodystrophy characteristics, harboring Leu461Val and a deletion of amino acids 716-730 in one allele and Ala725Pro in the other allele; the pathogenicity of Ala725Pro, however, is not determined (PMID: 9195225). Pathogenic computational verdict because pathogenic predictions from DANN, DEOGEN2, EIGEN, FATHMM-MKL, M-CAP, MVP, MutationAssessor, MutationTaster, PrimateAI, REVEL and SIFT. We interpret it as variant of uncertain significance (VUS). ACMG/AMP criteria applied: PP3.

ITMI
No classification provided. Condition: AllHighlyPenetrant. Last evaluated: 2013-09-19. Review status: no classification provided. Collection method: reference population. Allele origin: germline. Not counted in ClinVar's aggregate classification.
Comment: Please see associated publication for description of ethnicities

OMIM
Classification: Pathogenic for XERODERMA PIGMENTOSUM, COMPLEMENTATION GROUP D. Last evaluated: 1997-01-01. Review status: flagged submission. Collection method: literature only. Allele origin: germline. Not counted in ClinVar's aggregate classification.
ClinVar note: Reason: Outlier claim with insufficient supporting evidence

OMIM
Classification: Pathogenic for TRICHOTHIODYSTROPHY 1, PHOTOSENSITIVE. Last evaluated: 1997-01-01. Review status: flagged submission. Collection method: literature only. Allele origin: germline. Not counted in ClinVar's aggregate classification.
ClinVar note: Reason: Outlier claim with insufficient supporting evidence

Literature cited by the submitters: PubMed 26884178 (cited by Women's Health and Genetics/Laboratory Corporation of America, LabCorp); PubMed 9238033 (cited by Women's Health and Genetics/Laboratory Corporation of America, LabCorp and Sema4); PubMed 8571952 (cited by 3 submitters); PubMed 23232694 (cited by Women's Health and Genetics/Laboratory Corporation of America, LabCorp); PubMed 22234153 (cited by Women's Health and Genetics/Laboratory Corporation of America, LabCorp and Sema4); PubMed 15982307 (cited by Women's Health and Genetics/Laboratory Corporation of America, LabCorp and Sema4); PubMed 25716912 (cited by Women's Health and Genetics/Laboratory Corporation of America, LabCorp); PubMed 7585650 (cited by Women's Health and Genetics/Laboratory Corporation of America, LabCorp); PubMed 7849702 (cited by Sema4 and OMIM); PubMed 23221806 (cited by Sema4); PubMed 27504877 (cited by Sema4); PubMed 30136158 (cited by Sema4); PubMed 24728327 (cited by Sema4 and ITMI); PubMed 31980526 (cited by Sema4); PubMed 9195225 (cited by OMIM).

NM_000400.4(ERCC2):c.1381C>G (p.Leu461Val)

Gene: ERCC2 (ERCC excision repair 2, TFIIH core complex helicase subunit; minus strand). Cytogenetic location: 19q13.32.
Variant type: single nucleotide variant.
Coding change: c.1381C>G on transcript NM_000400.4 (MANE Select); coding-DNA position 1381, C replaced by G.
Protein change: p.Leu461Val; replaces leucine 461 with valine.
Molecular consequence: missense variant.
Genome position (GRCh38, 1-based): chr19:45,357,368, G>C on the plus strand (C>G on the coding strand, the complement: ERCC2 is on the minus strand). VCF-style: chr19-45357368-G-C. GRCh37 (hg19) VCF-style: chr19-45860626-G-C.
Other names: short protein forms L461V.
Identifiers: ClinVar variation 16779 (VCV000016779.70), dbSNP rs121913016, ClinGen allele CA158746.